The following is an entry in ClinVar:

ClinVar aggregate classification (germline): Uncertain significance (1 of 4 stars; one submission).

Submission:

Labcorp Genetics (formerly Invitae), Labcorp
Classification: Uncertain significance. Last evaluated: 2022-12-31. Review status: criteria provided, single submitter. Criteria: Invitae Variant Classification Sherloc (09022015). Collection method: clinical testing. Allele origin: germline.
Comment: In summary, the available evidence is currently insufficient to determine the role of this variant in disease. Therefore, it has been classified as a Variant of Uncertain Significance. Experimental studies and prediction algorithms are not available or were not evaluated, and the effect of this variant on mRNA splicing is currently unknown. This variant has not been reported in the literature in individuals affected with HYOU1-related conditions. This variant is not present in population databases (gnomAD no frequency). This sequence change affects codon 623 of the HYOU1 mRNA. It is a 'silent' change, meaning that it does not change the encoded amino acid sequence of the HYOU1 protein.

NM_006389.5(HYOU1):c.1869G>A (p.Lys623=)

Gene: HYOU1 (hypoxia up-regulated 1; minus strand). Cytogenetic location: 11q23.3.
Variant type: single nucleotide variant.
Coding change: c.1869G>A on transcript NM_006389.5 (MANE Select); coding-DNA position 1869, G replaced by A.
Protein change: p.Lys623=; no amino-acid change (lysine 623 retained).
Molecular consequence: synonymous variant.
Genome position (GRCh38, 1-based): chr11:119,049,141, C>T on the plus strand (G>A on the coding strand, the complement: HYOU1 is on the minus strand). VCF-style: chr11-119049141-C-T. GRCh37 (hg19) VCF-style: chr11-118919853-C-T.
Other names: c.1869G>A, p.Lys623= (NM_001130991.3, NM_001411041.1).
Identifiers: ClinVar variation 3000062 (VCV003000062.3), dbSNP rs2497130037, ClinGen allele CA2740093226.